The following is an entry in ClinVar:

ClinVar aggregate classification (germline): Uncertain significance. Review status: criteria provided, multiple submitters, no conflicts (2 of 4 stars). 2 submissions from 2 submitters: Uncertain significance (2). Last evaluated 2023-06-11.

Allele frequency attached by ClinVar (database versions not stated): TOPMed below 0.00001; gnomAD 0.00001.
gnomAD v4.1: 2 of 1,612,202 alleles (0.00012%); highest among the groups gnomAD compares: African/African-American, 0.0013%; no homozygotes.

Submissions (2):

Labcorp Genetics (formerly Invitae), Labcorp
Classification: Uncertain significance. Last evaluated: 2023-06-11. Review status: criteria provided, single submitter. Criteria: Invitae Variant Classification Sherloc (09022015). Collection method: clinical testing. Allele origin: germline.
Comment: Advanced modeling of protein sequence and biophysical properties (such as structural, functional, and spatial information, amino acid conservation, physicochemical variation, residue mobility, and thermodynamic stability) performed at Invitae indicates that this missense variant is not expected to disrupt BACH2 protein function. In summary, the available evidence is currently insufficient to determine the role of this variant in disease. Therefore, it has been classified as a Variant of Uncertain Significance. This variant has not been reported in the literature in individuals affected with BACH2-related conditions. This variant is present in population databases (no rsID available, gnomAD 0.004%). This sequence change replaces lysine, which is basic and polar, with arginine, which is basic and polar, at codon 680 of the BACH2 protein (p.Lys680Arg).

Blueprint Genetics
Classification: Uncertain significance. Last evaluated: 2020-02-27. Review status: criteria provided, single submitter. Criteria: ACMG Guidelines, 2015. Collection method: clinical testing. Allele origin: germline.

NM_021813.4(BACH2):c.2039A>G (p.Lys680Arg)

Gene: BACH2 (BACH transcriptional regulator 2; minus strand). Cytogenetic location: 6q15.
Variant type: single nucleotide variant.
Coding change: c.2039A>G on transcript NM_021813.4 (MANE Select); coding-DNA position 2039, A replaced by G.
Protein change: p.Lys680Arg; replaces lysine 680 with arginine.
Molecular consequence: missense variant.
Genome position (GRCh38, 1-based): chr6:89,938,148, T>C on the plus strand (A>G on the coding strand, the complement: BACH2 is on the minus strand). VCF-style: chr6-89938148-T-C. GRCh37 (hg19) VCF-style: chr6-90647867-T-C.
Other names: c.2039A>G, p.Lys680Arg (NM_001170794.2); short protein forms K680R.
Identifiers: ClinVar variation 2778723 (VCV002778723.4), dbSNP rs1331400038, ClinGen allele CA365069048.